The following is an entry in ClinVar:

NM_002691.4(POLD1):c.1297G>A (p.Asp433Asn)

Gene: POLD1 (DNA polymerase delta 1, catalytic subunit; plus strand). Cytogenetic location: 19q13.33.
Variant type: single nucleotide variant.
Coding change: c.1297G>A on transcript NM_002691.4 (MANE Select); coding-DNA position 1297, G replaced by A.
Protein change: p.Asp433Asn; replaces aspartic acid 433 with asparagine.
Molecular consequence: missense variant. On other transcripts: non-coding transcript variant (1).
Genome position (GRCh38, 1-based): chr19:50,406,236, G>A. VCF-style: chr19-50406236-G-A. GRCh37 (hg19) VCF-style: chr19-50909493-G-A.
Other names: c.1297G>A, p.Asp433Asn (NM_001256849.1, NM_001308632.1); c.1297G>A (NM_002691.2); short protein forms D433N.
Identifiers: ClinVar variation 537120 (VCV000537120.9), dbSNP rs1555791103, ClinGen allele CA406979816.

ClinVar aggregate classification (germline): Uncertain significance. Review status: criteria provided, multiple submitters, no conflicts (2 of 4 stars). 2 submissions from 2 submitters: Uncertain significance (2). Last evaluated 2023-06-15.

Conditions:
POLD1-related polyposis and colorectal cancer syndrome (CRCS10). Also called: Colorectal cancer 10; COLORECTAL CANCER, SUSCEPTIBILITY TO, ON CHROMOSOME 19q; Colorectal cancer, susceptibility to, 10. Identifiers: Orphanet 220460, MedGen C2675481, MONDO:0012953, OMIM 612591.
Hereditary cancer-predisposing syndrome. Also called: Tumor predisposition; Neoplastic Syndromes, Hereditary; Hereditary Cancer Syndrome; Hereditary neoplastic syndrome. Identifiers: Orphanet 140162, MedGen C0027672, MeSH D009386, MONDO:0015356.

Submissions (2):

Ambry Genetics
Classification: Uncertain significance for Hereditary cancer-predisposing syndrome. Last evaluated: 2023-06-15. Review status: criteria provided, single submitter. Criteria: Ambry General Variant Classification Scheme_2022. Collection method: clinical testing. Allele origin: germline.
Comment: The p.D433N variant (also known as c.1297G>A), located in coding exon 10 of the POLD1 gene, results from a G to A substitution at nucleotide position 1297. The aspartic acid at codon 433 is replaced by asparagine, an amino acid with highly similar properties. This amino acid position is well conserved in available vertebrate species. In addition, this alteration is predicted to be tolerated by in silico analysis. Since supporting evidence is limited at this time, the clinical significance of this alteration remains unclear.

Labcorp Genetics (formerly Invitae), Labcorp
Classification: Uncertain significance for POLD1-related polyposis and colorectal cancer syndrome. Last evaluated: 2021-07-26. Review status: criteria provided, single submitter. Criteria: Invitae Variant Classification Sherloc (09022015). Collection method: clinical testing. Allele origin: germline.
Comment: In summary, the available evidence is currently insufficient to determine the role of this variant in disease. Therefore, it has been classified as a Variant of Uncertain Significance. Algorithms developed to predict the effect of missense changes on protein structure and function do not agree on the potential impact of this missense change (SIFT: "Deleterious"; PolyPhen-2: "Possibly Damaging"; Align-GVGD: "Class C0"). This variant has not been reported in the literature in individuals with POLD1-related disease. This variant is not present in population databases (ExAC no frequency). This sequence change replaces aspartic acid with asparagine at codon 433 of the POLD1 protein (p.Asp433Asn). The aspartic acid residue is moderately conserved and there is a small physicochemical difference between aspartic acid and asparagine.